The following is an entry in ClinVar:

NM_032444.4(SLX4):c.4457G>A (p.Arg1486Lys)

Gene: SLX4 (SLX4 structure-specific endonuclease subunit; minus strand). Cytogenetic location: 16p13.3.
Variant type: single nucleotide variant.
Coding change: c.4457G>A on transcript NM_032444.4 (MANE Select); coding-DNA position 4457, G replaced by A.
Protein change: p.Arg1486Lys; replaces arginine 1486 with lysine.
Molecular consequence: missense variant.
Genome position (GRCh38, 1-based): chr16:3,589,181, C>T on the plus strand (G>A on the coding strand, the complement: SLX4 is on the minus strand). VCF-style: chr16-3589181-C-T. GRCh37 (hg19) VCF-style: chr16-3639182-C-T.
Other names: short protein forms R1486K.
Identifiers: ClinVar variation 2816049 (VCV002816049.3), dbSNP rs2548210937, ClinGen allele CA394517105.

ClinVar aggregate classification (germline): Uncertain significance (1 of 4 stars; one submission).

Conditions:
Fanconi anemia (FA). Also called: Fanconi's anemia. Identifiers: Orphanet 84, MedGen C0015625, MeSH D005199, MONDO:0019391.

Allele frequency attached by ClinVar (database versions not stated): gnomAD exomes below 0.00001.

Submission:

Labcorp Genetics (formerly Invitae), Labcorp
Classification: Uncertain significance for Fanconi anemia. Last evaluated: 2023-03-27. Review status: criteria provided, single submitter. Criteria: Invitae Variant Classification Sherloc (09022015). Collection method: clinical testing. Allele origin: germline.
Comment: This variant is not present in population databases (gnomAD no frequency). This sequence change replaces arginine, which is basic and polar, with lysine, which is basic and polar, at codon 1486 of the SLX4 protein (p.Arg1486Lys). This variant has not been reported in the literature in individuals affected with SLX4-related conditions. Algorithms developed to predict the effect of missense changes on protein structure and function output the following: SIFT: "Not Available"; PolyPhen-2: "Benign"; Align-GVGD: "Not Available". The lysine amino acid residue is found in multiple mammalian species, which suggests that this missense change does not adversely affect protein function. In summary, the available evidence is currently insufficient to determine the role of this variant in disease. Therefore, it has been classified as a Variant of Uncertain Significance.